The following is an entry in ClinVar:

ClinVar aggregate classification (germline): Likely benign (1 of 4 stars; one submission).

Allele frequency attached by ClinVar (database versions not stated): gnomAD exomes 0.00001; TOPMed 0.00001; gnomAD 0.00003.
gnomAD v4.1: 12 of 1,602,368 alleles (0.00075%); highest among the groups gnomAD compares: East Asian, 0.0067%; no homozygotes.

Submission:

CeGaT Center for Human Genetics Tuebingen
Classification: Likely benign. Last evaluated: 2022-07-01. Review status: criteria provided, single submitter. Criteria: CeGaT Center For Human Genetics Tuebingen Variant Classification Criteria Version 2. Collection method: clinical testing. Allele origin: germline. Affected: yes. Observed: 1 variant allele.
Comment: F12: BP4, BP7

NM_000505.4(F12):c.1101G>C (p.Leu367=)

Gene: F12 (coagulation factor XII; minus strand). Cytogenetic location: 5q35.3.
Variant type: single nucleotide variant.
Coding change: c.1101G>C on transcript NM_000505.4 (MANE Select); coding-DNA position 1101, G replaced by C.
Protein change: p.Leu367=; no amino-acid change (leucine 367 retained).
Molecular consequence: synonymous variant.
Genome position (GRCh38, 1-based): chr5:177,404,008, C>G on the plus strand (G>C on the coding strand, the complement: F12 is on the minus strand). VCF-style: chr5-177404008-C-G. GRCh37 (hg19) VCF-style: chr5-176831009-C-G.
Identifiers: ClinVar variation 2656120 (VCV002656120.24), dbSNP rs1328103815, ClinGen allele CA447964881.